The following is an entry in ClinVar:

NM_000208.4(INSR):c.3572G>A (p.Arg1191Gln)

Gene: INSR (insulin receptor; minus strand). Cytogenetic location: 19p13.2.
Variant type: single nucleotide variant.
Coding change: c.3572G>A on transcript NM_000208.4 (MANE Select); coding-DNA position 3572, G replaced by A.
Protein change: p.Arg1191Gln; replaces arginine 1191 with glutamine.
Molecular consequence: missense variant.
Genome position (GRCh38, 1-based): chr19:7,120,707, C>T on the plus strand (G>A on the coding strand, the complement: INSR is on the minus strand). VCF-style: chr19-7120707-C-T. GRCh37 (hg19) VCF-style: chr19-7120718-C-T.
Other names: c.3536G>A, p.Arg1179Gln (NM_001079817.3); c.3572G>A (NM_000208.3); short protein forms R1179Q, R1191Q.
Identifiers: ClinVar variation 14700 (VCV000014700.4), dbSNP rs121913150, ClinGen allele CA124248.

ClinVar aggregate classification (germline): Conflicting classifications of pathogenicity. Review status: criteria provided, conflicting classifications (1 of 4 stars). 3 submissions from 3 submitters: Uncertain significance (1); Likely benign (1). 1 of the submissions does not count toward it. Last evaluated 2025-04-15.

Conditions:
INSR-related disorder.
Type 2 diabetes mellitus. Also called: Type II diabetes mellitus. Identifiers: MedGen C0011860, MeSH D003924, MONDO:0005148, OMIM 125853, HP:0005978.

Allele frequency attached by ClinVar (database versions not stated): ExAC 0.00001; gnomAD 0.00001; gnomAD exomes 0.00001; TOPMed 0.00001.
gnomAD v4.1: 13 of 1,614,028 alleles (0.00081%); highest among the groups gnomAD compares: South Asian, 0.0022%; no homozygotes.

Submissions (3):

PreventionGenetics, part of Exact Sciences
Classification: Uncertain significance for INSR-related condition. Last evaluated: 2025-04-15. Review status: criteria provided, single submitter. Criteria: ACMG Guidelines, 2015. Collection method: clinical testing. Allele origin: germline.
Comment: The INSR c.3572G>A variant is predicted to result in the amino acid substitution p.Arg1191Gln. This variant, also described as c.3584G>A (p.Arg1152Gln) has been reported in an individual with non-insulin-dependent diabetes mellitus (NIDDM) and in an individual with hypoglycemia and insulin resistance (Cocozza et al. 1992. PubMed ID: 1607076; Sethi et al. 2020. PubMed ID: 31989990). Of note, in both previously described cases, the variant was inherited paternally, and both probands' fathers were unaffected (Cocozza et al. 1992. PubMed ID: 1607076; Sethi et al. 2020. PubMed ID: 31989990). A functional study of partially purified insulin receptors from a patient and a nondiabetic subject showed lack of kinase activity in the presence of insulin in the proband sample (Cocozza et al. 1992. PubMed ID: 1607076). This variant is reported in 0.0033% of alleles in individuals of South Asian descent in gnomAD. At this time, the clinical significance of this variant is uncertain due to the absence of conclusive functional and genetic evidence.

Blueprint Genetics
Classification: Likely benign. Last evaluated: 2018-09-21. Review status: criteria provided, single submitter. Criteria: ACMG Guidelines, 2015. Collection method: clinical testing. Allele origin: germline.

OMIM
Classification: Pathogenic for TYPE 2 DIABETES MELLITUS. Last evaluated: 1995-01-01. Review status: no assertion criteria provided. Collection method: literature only. Allele origin: germline. Not counted in ClinVar's aggregate classification.

Literature cited by the submitters: PubMed 27896077 (cited by OMIM); PubMed 1607076 (cited by OMIM); PubMed 7814014 (cited by OMIM).